The following is an entry in ClinVar:

NM_000111.3(SLC26A3):c.2168A>T (p.Lys723Met)

Gene: SLC26A3 (solute carrier family 26 member 3; minus strand). Cytogenetic location: 7q22.3.
Variant type: single nucleotide variant.
Coding change: c.2168A>T on transcript NM_000111.3 (MANE Select); coding-DNA position 2168, A replaced by T.
Protein change: p.Lys723Met; replaces lysine 723 with methionine.
Molecular consequence: missense variant.
Genome position (GRCh38, 1-based): chr7:107,767,803, T>A on the plus strand (A>T on the coding strand, the complement: SLC26A3 is on the minus strand). VCF-style: chr7-107767803-T-A. GRCh37 (hg19) VCF-style: chr7-107408248-T-A.
Other names: short protein forms K723M.
Identifiers: ClinVar variation 1899777 (VCV001899777.2), dbSNP rs2535445029, ClinGen allele CA368849582.

ClinVar aggregate classification (germline): Uncertain significance (1 of 4 stars; one submission).

gnomAD v4.1: 9 of 1,613,910 alleles (0.00056%); highest among the groups gnomAD compares: Non-Finnish European, 0.00076%; no homozygotes.

Submission:

Labcorp Genetics (formerly Invitae), Labcorp
Classification: Uncertain significance. Last evaluated: 2022-05-11. Review status: criteria provided, single submitter. Criteria: Invitae Variant Classification Sherloc (09022015). Collection method: clinical testing. Allele origin: germline.
Comment: This sequence change replaces lysine, which is basic and polar, with methionine, which is neutral and non-polar, at codon 723 of the SLC26A3 protein (p.Lys723Met). This variant is not present in population databases (gnomAD no frequency). This variant has not been reported in the literature in individuals affected with SLC26A3-related conditions. Algorithms developed to predict the effect of missense changes on protein structure and function are either unavailable or do not agree on the potential impact of this missense change (SIFT: "Deleterious"; PolyPhen-2: "Possibly Damaging"; Align-GVGD: "Class C0"). In summary, the available evidence is currently insufficient to determine the role of this variant in disease. Therefore, it has been classified as a Variant of Uncertain Significance.